The following is an entry in ClinVar:

ClinVar aggregate classification (germline): Likely benign. Review status: criteria provided, single submitter (1 of 4 stars). 2 submissions from 2 submitters: Likely benign (1). 1 of the submissions does not count toward it. Last evaluated 2024-08-05.

Conditions:
LMNB1-related disorder. Also called: LMNB1-Related Disorders; LMNB1-related condition.

Allele frequency attached by ClinVar (database versions not stated): ExAC 0.00002; gnomAD 0.00003; gnomAD exomes 0.00003; TOPMed 0.00003; ESP Exome Variant Server 0.00008.
gnomAD v4.1: 41 of 1,613,880 alleles (0.0025%); highest among the groups gnomAD compares: African/African-American, 0.0053%; no homozygotes.

Submissions (2):

Labcorp Genetics (formerly Invitae), Labcorp
Classification: Likely benign. Last evaluated: 2024-08-05. Review status: criteria provided, single submitter. Criteria: Invitae Variant Classification Sherloc (09022015). Collection method: clinical testing. Allele origin: germline.

PreventionGenetics, part of Exact Sciences
Classification: Likely benign for LMNB1-related condition. Last evaluated: 2019-06-15. Review status: no assertion criteria provided. Collection method: clinical testing. Allele origin: germline. Not counted in ClinVar's aggregate classification.
Comment: This variant is classified as likely benign based on ACMG/AMP sequence variant interpretation guidelines (Richards et al. 2015 PMID: 25741868, with internal and published modifications).

NM_005573.4(LMNB1):c.696T>C (p.Ser232=)

Gene: LMNB1 (lamin B1; plus strand). Cytogenetic location: 5q23.2.
Variant type: single nucleotide variant.
Coding change: c.696T>C on transcript NM_005573.4 (MANE Select); coding-DNA position 696, T replaced by C.
Protein change: p.Ser232=; no amino-acid change (serine 232 retained).
Molecular consequence: synonymous variant. On other transcripts: non-coding transcript variant (2).
Genome position (GRCh38, 1-based): chr5:126,810,233, T>C. VCF-style: chr5-126810233-T-C. GRCh37 (hg19) VCF-style: chr5-126145925-T-C.
Other names: c.66T>C, p.Ser22= (NM_001198557.2).
Identifiers: ClinVar variation 3033255 (VCV003033255.4), dbSNP rs375873636, ClinGen allele CA3390534.
Genomic context (GRCh38, chr5:126,810,233, plus strand): 5'-TCCCCAGGAGATTAACGAGACCAGAAGGAAGCATGAAACGCGCTTGGTAGAGGTGGATTC[T>C]GGGCGTCAAATTGAGTATGAGTACAAGCTGGCGCAAGCCCTTCATGAGATGAGAGAGCAA-3'
Protein context (NP_005564.1, residues 222-242): KHETRLVEVD[Ser232=]GRQIEYEYKL